The following is an entry in ClinVar:

NM_007294.4(BRCA1):c.3428C>T (p.Ser1143Phe)

Genes: BRCA1 (BRCA1 DNA repair associated; minus strand), LOC126862571 (BRD4-independent group 4 enhancer GRCh37_chr17:41243136-41244335; plus strand). Cytogenetic location: 17q21.31.
Variant type: single nucleotide variant.
Coding change: c.3428C>T on transcript NM_007294.4 (MANE Select); coding-DNA position 3428, C replaced by T.
Protein change: p.Ser1143Phe; replaces serine 1143 with phenylalanine.
Molecular consequence: missense variant. On other transcripts: intron variant (135).
Genome position (GRCh38, 1-based): chr17:43,092,103, G>A on the plus strand (C>T on the coding strand, the complement: BRCA1 is on the minus strand). VCF-style: chr17-43092103-G-A. GRCh37 (hg19) VCF-style: chr17-41244120-G-A.
Other names: c.3161C>T, p.Ser1054Phe (NM_001407936.1, NM_001407930.1, NM_001407931.1 and 2 more transcripts); c.3305C>T, p.Ser1102Phe (NM_001407937.1, NM_001407938.1, NM_001407939.1 and 19 more transcripts); c.3302C>T, p.Ser1101Phe (NM_001407940.1, NM_001407941.1, NM_001407649.1 and 11 more transcripts); c.3287C>T, p.Ser1096Phe (NM_001407942.1, NM_001407944.1, NM_001407945.1 and 29 more transcripts); c.3284C>T, p.Ser1095Phe (NM_001407943.1, NM_001407964.1, NM_001407740.1 and 20 more transcripts); c.3095C>T, p.Ser1032Phe (NM_001407946.1, NM_001407947.1, NM_001407948.1 and 6 more transcripts); c.3092C>T, p.Ser1031Phe (NM_001407954.1, NM_001407955.1, NM_001407956.1 and 1 more transcripts); c.3047C>T, p.Ser1016Phe (NM_001407959.1, NM_001407960.1, NM_001407963.1); and 41 more; short protein forms S1143F, S1096F, S1015F, S1016F, S1116F, S1117F, S1142F, S275F.
Identifiers: ClinVar variation 54880 (VCV000054880.18), dbSNP rs80357434, ClinGen allele CA002218.

ClinVar aggregate classification (germline): Conflicting classifications of pathogenicity. Review status: criteria provided, conflicting classifications (1 of 4 stars). 4 submissions from 4 submitters: Uncertain significance (2); Likely benign (1). 1 of the submissions does not count toward it. Last evaluated 2023-04-12.

Conditions:
Hereditary cancer-predisposing syndrome. Also called: Tumor predisposition; Neoplastic Syndromes, Hereditary; Hereditary Cancer Syndrome; Hereditary neoplastic syndrome. Identifiers: Orphanet 140162, MedGen C0027672, MeSH D009386, MONDO:0015356.
Hereditary breast ovarian cancer syndrome. Also called: Hereditary breast and ovarian cancer syndrome (HBOC); Hereditary breast and ovarian cancer syndrome; Hereditary breast and ovarian cancer; Hereditary breast and/or ovarian cancer syndrome; Breast and ovarian cancer; BRCA1- and BRCA2-Associated Hereditary Breast and Ovarian Cancer. Identifiers: Orphanet 145, MedGen C0677776, MeSH D061325, MONDO:0003582. Disease mechanism: loss of function.
Breast-ovarian cancer, familial, susceptibility to, 1 (BROVCA1). Also called: OVARIAN CANCER, SUSCEPTIBILITY TO; BRCA1 Hereditary Breast and Ovarian Cancer. Identifiers: Orphanet 145, MedGen C2676676, MONDO:0011450, OMIM 604370. Disease mechanism: loss of function.

Allele frequency attached by ClinVar (database versions not stated): gnomAD exomes below 0.00001.
gnomAD v4.1: 1 of 1,613,948 alleles (0.000062%); no homozygotes.

Submissions (4):

Labcorp Genetics (formerly Invitae), Labcorp
Classification: Uncertain significance for Hereditary breast ovarian cancer syndrome. Last evaluated: 2023-04-12. Review status: criteria provided, single submitter. Criteria: Invitae Variant Classification Sherloc (09022015). Collection method: clinical testing. Allele origin: germline.
Comment: ClinVar contains an entry for this variant (Variation ID: 54880). This variant has not been reported in the literature in individuals affected with BRCA1-related conditions. This variant is present in population databases (rs80357434, gnomAD 0.01%). This sequence change replaces serine, which is neutral and polar, with phenylalanine, which is neutral and non-polar, at codon 1143 of the BRCA1 protein (p.Ser1143Phe). Advanced modeling of protein sequence and biophysical properties (such as structural, functional, and spatial information, amino acid conservation, physicochemical variation, residue mobility, and thermodynamic stability) performed at Invitae indicates that this missense variant is not expected to disrupt BRCA1 protein function. In summary, the available evidence is currently insufficient to determine the role of this variant in disease. Therefore, it has been classified as a Variant of Uncertain Significance.

University of Washington Department of Laboratory Medicine, University of Washington
Classification: Likely benign for Hereditary cancer-predisposing syndrome. Last evaluated: 2023-03-23. Review status: criteria provided, single submitter. Criteria: Dines et al. (Genet Med. 2020). Collection method: curation. Allele origin: germline.
Comment: Missense variant in a coldspot region where missense variants are very unlikely to be pathogenic (PMID:31911673).

BRCA1 coldspot (exon 11 using historical exon numbering). Reclassification based on statistical prior probability

Ambry Genetics
Classification: Uncertain significance for Hereditary cancer-predisposing syndrome. Last evaluated: 2018-08-13. Review status: criteria provided, single submitter. Criteria: Ambry Variant Classification Scheme 2023. Collection method: clinical testing. Allele origin: germline.
Comment: The p.S1143F variant (also known as c.3428C>T), located in coding exon 9 of the BRCA1 gene, results from a C to T substitution at nucleotide position 3428. The serine at codon 1143 is replaced by phenylalanine, an amino acid with highly dissimilar properties. This alteration occurs at biologically characterized phosphorylation site Ser1143, necessary for ATM binding. Removal of the S residue has been shown to abolish the phosphorylation site and reduce the targeting of BRCA1 to methanethiosulfonate-induced foci, suggesting this alteration is likely to contribute to the tumorigenic process by interfering with BRCA1-mediated single strand break DNA repair (Tram E et al. PLoS ONE, 2013 May;8:e62468). This amino acid position is not well conserved in available vertebrate species. In addition, the in silico prediction for this alteration is inconclusive. Since supporting evidence is limited at this time, the clinical significance of this alteration remains unclear.

Breast Cancer Information Core (BIC) (BRCA1)
Classification: Uncertain significance for Breast-ovarian cancer, familial 1. Last evaluated: 1997-11-14. Review status: no assertion criteria provided. Collection method: clinical testing. Allele origin: germline. Affected: yes. Observed: 1 variant allele. Not counted in ClinVar's aggregate classification.

Literature cited by the submitters: PubMed 23704879 (cited by Ambry Genetics).